The following is an entry in ClinVar:

ClinVar aggregate classification (germline): Uncertain significance. Review status: criteria provided, multiple submitters, no conflicts (2 of 4 stars). 3 submissions from 3 submitters: Uncertain significance (3). Last evaluated 2026-09-01.

Conditions:
KMT2B-related disorder. Also called: KMT2B-related condition; KMT2B-related disorders. Identifiers: MedGen CN381338.
Inborn genetic diseases. Identifiers: MedGen C0950123, MeSH D030342.

Allele frequency attached by ClinVar (database versions not stated): TOPMed 0.00001.

Submissions (3):

PreventionGenetics, part of Exact Sciences
Classification: Uncertain significance for KMT2B-related condition. Last evaluated: 2026-09-01. Review status: criteria provided, single submitter. Criteria: ACMG Guidelines, 2015. Collection method: clinical testing. Allele origin: germline.
Comment: The KMT2B c.1289C>T variant is predicted to result in the amino acid substitution p.Pro430Leu. To our knowledge, this variant has not been reported in the literature or in a large population database (gnomAD), indicating this variant is rare. At this time, the clinical significance of this variant is uncertain due to the absence of conclusive functional and genetic evidence.

Ambry Genetics
Classification: Uncertain significance for Inborn genetic diseases. Last evaluated: 2025-09-26. Review status: criteria provided, single submitter. Criteria: Ambry Variant Classification Scheme 2023. Collection method: clinical testing. Allele origin: germline.

GeneDx
Classification: Uncertain significance. Last evaluated: 2022-01-20. Review status: criteria provided, single submitter. Criteria: GeneDx Variant Classification Process June 2021. Collection method: clinical testing. Allele origin: germline. Affected: yes.
Comment: Not observed at significant frequency in large population cohorts (gnomAD); In silico analysis supports that this missense variant does not alter protein structure/function; Has not been previously published as pathogenic or benign to our knowledge

NM_014727.3(KMT2B):c.1289C>T (p.Pro430Leu)

Gene: KMT2B (lysine methyltransferase 2B; plus strand). Cytogenetic location: 19q13.12.
Variant type: single nucleotide variant.
Coding change: c.1289C>T on transcript NM_014727.3 (MANE Select); coding-DNA position 1289, C replaced by T.
Protein change: p.Pro430Leu; replaces proline 430 with leucine.
Molecular consequence: missense variant.
Genome position (GRCh38, 1-based): chr19:35,720,636, C>T. VCF-style: chr19-35720636-C-T. GRCh37 (hg19) VCF-style: chr19-36211538-C-T.
Other names: c.1289C>T (NM_014727.1); short protein forms P430L.
Identifiers: ClinVar variation 1697994 (VCV001697994.4), dbSNP rs1969153069, ClinGen allele CA405389773.